The following is an entry in ClinVar:

ClinVar aggregate classification (germline): Uncertain significance (1 of 4 stars; one submission).

Conditions:
Cortical dysplasia-focal epilepsy syndrome (PTHSL1). Also called: Pitt-Hopkins-like syndrome 1. Identifiers: Orphanet 163681, Orphanet 221150, MedGen C2750246, MONDO:0012400, OMIM 610042.

Allele frequency attached by ClinVar (database versions not stated): gnomAD exomes below 0.00001; gnomAD 0.00001.
gnomAD v4.1: 2 of 1,613,614 alleles (0.00012%); highest among the groups gnomAD compares: Admixed American, 0.0017%; no homozygotes.

Submission:

Labcorp Genetics (formerly Invitae), Labcorp
Classification: Uncertain significance for Cortical dysplasia-focal epilepsy syndrome. Last evaluated: 2025-12-08. Review status: criteria provided, single submitter. Criteria: Invitae Variant Classification Sherloc (09022015). Collection method: clinical testing. Allele origin: germline.
Comment: This sequence change falls in intron 12 of the CNTNAP2 gene. It does not directly change the encoded amino acid sequence of the CNTNAP2 protein. It affects a nucleotide within the consensus splice site. This variant is present in population databases (no rsID available, gnomAD 0.1%). This variant has not been reported in the literature in individuals affected with CNTNAP2-related conditions. ClinVar contains an entry for this variant (Variation ID: 1375650). Variants that disrupt the consensus splice site are a relatively common cause of aberrant splicing (PMID: 17576681, 9536098). Algorithms developed to predict the effect of sequence changes on RNA splicing suggest that this variant is not likely to affect RNA splicing. In summary, the available evidence is currently insufficient to determine the role of this variant in disease. Therefore, it has been classified as a Variant of Uncertain Significance.

Literature cited by the submitters: PubMed 17576681; PubMed 9536098.

NM_014141.6(CNTNAP2):c.1897+5C>T

Gene: CNTNAP2 (contactin associated protein 2; plus strand). Cytogenetic location: 7q35.
Variant type: single nucleotide variant.
Coding change: c.1897+5C>T on transcript NM_014141.6 (MANE Select); 5 bases into the intron after coding-DNA position 1897, C replaced by T.
Molecular consequence: intron variant.
Genome position (GRCh38, 1-based): chr7:147,562,262, C>T. VCF-style: chr7-147562262-C-T. GRCh37 (hg19) VCF-style: chr7-147259354-C-T.
Identifiers: ClinVar variation 1375650 (VCV001375650.5), dbSNP rs1371478454, ClinGen allele CA578851306.
Genomic context (GRCh38, chr7:147,562,262, plus strand): 5'-AGATCCTGATGGCAGCGGACCTCTGGGGCCTCTGAAAGTTTACTGCAACATGACAGGTAA[C>T]TGTGTCATATTTATGTTTTATGAAGATGCTTTTCTATATGTCACGAATAAGTAGTTCCAC-3'